The following is an entry in ClinVar:

NM_032217.5(ANKRD17):c.4577A>C (p.Glu1526Ala)

Gene: ANKRD17 (ankyrin repeat domain 17; minus strand). Cytogenetic location: 4q13.3.
Variant type: single nucleotide variant.
Coding change: c.4577A>C on transcript NM_032217.5 (MANE Select); coding-DNA position 4577, A replaced by C.
Protein change: p.Glu1526Ala; replaces glutamic acid 1526 with alanine.
Molecular consequence: missense variant.
Genome position (GRCh38, 1-based): chr4:73,098,517, T>G on the plus strand (A>C on the coding strand, the complement: ANKRD17 is on the minus strand). VCF-style: chr4-73098517-T-G. GRCh37 (hg19) VCF-style: chr4-73964234-T-G.
Other names: c.4238A>C, p.Glu1413Ala (NM_001286771.3); c.4574A>C, p.Glu1525Ala (NM_015574.2); c.3824A>C, p.Glu1275Ala (NM_198889.3); c.4577A>C (NM_032217.3); short protein forms E1275A, E1413A, E1525A, E1526A.
Identifiers: ClinVar variation 3364568 (VCV003364568.2).

ClinVar aggregate classification (germline): Uncertain significance. Review status: criteria provided, multiple submitters, no conflicts (2 of 4 stars). 2 submissions from 2 submitters: Uncertain significance (2). Last evaluated 2025-01-02.

Conditions:
Inborn genetic diseases. Identifiers: MedGen C0950123, MeSH D030342.

Submissions (2):

Ambry Genetics
Classification: Uncertain significance for Inborn genetic diseases. Last evaluated: 2025-01-02. Review status: criteria provided, single submitter. Criteria: Ambry Variant Classification Scheme 2023. Collection method: clinical testing. Allele origin: germline.

GeneDx
Classification: Uncertain significance. Last evaluated: 2023-11-25. Review status: criteria provided, single submitter. Criteria: GeneDx Variant Classification Process June 2021. Collection method: clinical testing. Allele origin: germline. Affected: yes.
Comment: Not observed at significant frequency in large population cohorts (gnomAD); In silico analysis supports that this missense variant has a deleterious effect on protein structure/function; Has not been previously published as pathogenic or benign to our knowledge